The following is an entry in ClinVar:

ClinVar aggregate classification (germline): Uncertain significance. Review status: criteria provided, multiple submitters, no conflicts (2 of 4 stars). 3 submissions from 3 submitters: Uncertain significance (2). 1 of the submissions does not count toward it. Last evaluated 2021-09-21.

Conditions:
Obesity. Also called: Obesity disorder. Identifiers: Orphanet 71529, MedGen C0028754, MeSH D009765, MONDO:0011122, HP:0001513.
UCP3-related disorder. Also called: UCP3-related condition.

Allele frequency attached by ClinVar (database versions not stated): gnomAD exomes below 0.00001; TOPMed 0.00003; gnomAD 0.00004 and 0.00003.

Submissions (3):

Fulgent Genetics
Classification: Uncertain significance for Inherited obesity. Last evaluated: 2021-09-21. Review status: criteria provided, single submitter. Criteria: ACMG Guidelines, 2015. Collection method: clinical testing. Allele origin: unknown.

Genetic Services Laboratory, University of Chicago
Classification: Uncertain significance. Last evaluated: 2018-07-05. Review status: criteria provided, single submitter. Criteria: ACMG Guidelines, 2015. Collection method: clinical testing. Allele origin: germline. Affected: no.

PreventionGenetics, part of Exact Sciences
Classification: Uncertain significance for UCP3-related condition. Last evaluated: 2024-07-01. Review status: no assertion criteria provided. Collection method: clinical testing. Allele origin: germline. Not counted in ClinVar's aggregate classification.
Comment: The UCP3 c.386T>C variant is predicted to result in the amino acid substitution p.Met129Thr. To our knowledge, this variant has not been reported in the literature. This variant is reported in 0.012% of alleles in individuals of African descent in gnomAD. At this time, the clinical significance of this variant is uncertain due to the absence of conclusive functional and genetic evidence.

NM_003356.4(UCP3):c.386T>C (p.Met129Thr)

Gene: UCP3 (uncoupling protein 3; minus strand). Cytogenetic location: 11q13.4.
Variant type: single nucleotide variant.
Coding change: c.386T>C on transcript NM_003356.4 (MANE Select); coding-DNA position 386, T replaced by C.
Protein change: p.Met129Thr; replaces methionine 129 with threonine.
Molecular consequence: missense variant.
Genome position (GRCh38, 1-based): chr11:74,005,885, A>G on the plus strand (T>C on the coding strand, the complement: UCP3 is on the minus strand). VCF-style: chr11-74005885-A-G. GRCh37 (hg19) VCF-style: chr11-73716930-A-G.
Other names: c.386T>C, p.Met129Thr (NM_022803.3); short protein forms M129T.
Identifiers: ClinVar variation 1336776 (VCV001336776.6), dbSNP rs1047063799, ClinGen allele CA224484146.